The following is an entry in ClinVar:

NM_018117.12(WDR11):c.3125C>T (p.Ser1042Leu)

Gene: WDR11 (WD repeat domain 11; plus strand). Cytogenetic location: 10q26.12.
Variant type: single nucleotide variant.
Coding change: c.3125C>T on transcript NM_018117.12 (MANE Select); coding-DNA position 3125, C replaced by T.
Protein change: p.Ser1042Leu; replaces serine 1042 with leucine.
Molecular consequence: missense variant.
Genome position (GRCh38, 1-based): chr10:120,904,743, C>T. VCF-style: chr10-120904743-C-T. GRCh37 (hg19) VCF-style: chr10-122664255-C-T.
Other names: short protein forms S1042L.
Identifiers: ClinVar variation 3605933 (VCV003605933.2).

ClinVar aggregate classification (germline): Uncertain significance (1 of 4 stars; one submission).

gnomAD v4.1: 51 of 1,614,150 alleles (0.0032%); highest among the groups gnomAD compares: Non-Finnish European, 0.004%; no homozygotes.

Submission:

Labcorp Genetics (formerly Invitae), Labcorp
Classification: Uncertain significance. Last evaluated: 2024-09-22. Review status: criteria provided, single submitter. Criteria: Invitae Variant Classification Sherloc (09022015). Collection method: clinical testing. Allele origin: germline.
Comment: This sequence change replaces serine, which is neutral and polar, with leucine, which is neutral and non-polar, at codon 1042 of the WDR11 protein (p.Ser1042Leu). This variant is present in population databases (rs771733026, gnomAD 0.002%). This variant has not been reported in the literature in individuals affected with WDR11-related conditions. An algorithm developed to predict the effect of missense changes on protein structure and function (PolyPhen-2) suggests that this variant is likely to be disruptive. In summary, the available evidence is currently insufficient to determine the role of this variant in disease. Therefore, it has been classified as a Variant of Uncertain Significance.